The following is an entry in ClinVar:

ClinVar aggregate classification (germline): Uncertain significance (1 of 4 stars; one submission).

Submission:

GeneDx
Classification: Uncertain significance. Last evaluated: 2022-11-02. Review status: criteria provided, single submitter. Criteria: GeneDx Variant Classification Process June 2021. Collection method: clinical testing. Allele origin: germline. Affected: yes.
Comment: Not observed at significant frequency in large population cohorts (gnomAD); In silico analysis supports that this missense variant has a deleterious effect on protein structure/function; Has not been previously published as pathogenic or benign to our knowledge

NM_012062.5(DNM1L):c.1058A>C (p.Lys353Thr)

Gene: DNM1L (dynamin 1 like; plus strand). Cytogenetic location: 12p11.21.
Variant type: single nucleotide variant.
Coding change: c.1058A>C on transcript NM_012062.5 (MANE Select); coding-DNA position 1058, A replaced by C.
Protein change: p.Lys353Thr; replaces lysine 353 with threonine.
Molecular consequence: missense variant.
Genome position (GRCh38, 1-based): chr12:32,722,612, A>C. VCF-style: chr12-32722612-A-C. GRCh37 (hg19) VCF-style: chr12-32875546-A-C.
Other names: c.1058A>C, p.Lys353Thr (NM_001278463.2, NM_005690.5, NM_012063.4); c.1097A>C, p.Lys366Thr (NM_001278464.2, NM_001278465.2, NM_001330380.2); c.449A>C, p.Lys150Thr (NM_001278466.2); short protein forms K150T, K353T, K366T.
Identifiers: ClinVar variation 2501577 (VCV002501577.1), dbSNP rs2541046087, ClinGen allele CA384371399.